The following is an entry in ClinVar:

ClinVar aggregate classification (germline): Uncertain significance (1 of 4 stars; one submission).

Allele frequency attached by ClinVar (database versions not stated): TOPMed 0.00002; ExAC 0.00001; gnomAD 0.00001; gnomAD exomes 0.00001.

Submission:

Labcorp Genetics (formerly Invitae), Labcorp
Classification: Uncertain significance. Last evaluated: 2021-06-19. Review status: criteria provided, single submitter. Criteria: Invitae Variant Classification Sherloc (09022015). Collection method: clinical testing. Allele origin: germline.
Comment: In summary, the available evidence is currently insufficient to determine the role of this variant in disease. Therefore, it has been classified as a Variant of Uncertain Significance. Algorithms developed to predict the effect of missense changes on protein structure and function are either unavailable or do not agree on the potential impact of this missense change (SIFT: "Tolerated"; PolyPhen-2: "Probably Damaging"; Align-GVGD: "Class C0"). This variant has not been reported in the literature in individuals with RTN4IP1-related conditions. The frequency data for this variant in the population databases is considered unreliable, as metrics indicate poor data quality at this position in the ExAC database. This sequence change replaces arginine with histidine at codon 339 of the RTN4IP1 protein (p.Arg339His). The arginine residue is moderately conserved and there is a small physicochemical difference between arginine and histidine.

NM_032730.5(RTN4IP1):c.1016G>A (p.Arg339His)

Gene: RTN4IP1 (reticulon 4 interacting protein 1; minus strand). Cytogenetic location: 6q21.
Variant type: single nucleotide variant.
Coding change: c.1016G>A on transcript NM_032730.5 (MANE Select); coding-DNA position 1016, G replaced by A.
Protein change: p.Arg339His; replaces arginine 339 with histidine.
Molecular consequence: missense variant.
Genome position (GRCh38, 1-based): chr6:106,583,395, C>T on the plus strand (G>A on the coding strand, the complement: RTN4IP1 is on the minus strand). VCF-style: chr6-106583395-C-T. GRCh37 (hg19) VCF-style: chr6-107031270-C-T.
Other names: c.716G>A, p.Arg239His (NM_001318746.1); short protein forms R239H, R339H.
Identifiers: ClinVar variation 1362941 (VCV001362941.7), dbSNP rs763626749, ClinGen allele CA3944309.
Genomic context (GRCh38, chr6:106,583,395, plus strand): 5'-GCATCCACCAGTTCTGCAATGTCATCTAAACATGGGCCACTGGCCATGAAAAATGCCCAG[C>T]GATAATGGACTCCTTTCCAGAAATGCTAAAAAGAAGAAAACAAAACATGTCAAATACAGA-3'
Protein context (NP_116119.2, residues 329-349): LKHFWKGVHY[Arg339His]WAFFMASGPC